The following is an entry in ClinVar:

NM_001387690.1(KATNAL2):c.1212-1009dup

Gene: KATNAL2 (katanin catalytic subunit A1 like 2; plus strand). Cytogenetic location: 18q21.1.
Variant type: Duplication.
Coding change: c.1212-1009dup on transcript NM_001387690.1 (MANE Select); 1009 bases into the intron before coding-DNA position 1212, one base duplicated (A; older notation c.1212-1009dupA).
Molecular consequence: intron variant. On other transcripts: frameshift variant (7), 3 prime UTR variant (1), non-coding transcript variant (1).
Genome position (GRCh38, 1-based): chr18:47,098,234, A duplicated; the last of 13 consecutive A bases (chr18:47,098,222-47,098,234); duplicating any one gives the same sequence. VCF-style (leftmost placement, unchanged base first): chr18-47098221-C-CA. GRCh37 (hg19) VCF-style: chr18-44624592-C-CA.
Other names: c.1273dup, p.Ser425fs (NM_001353901.1); c.1252dup, p.Ser418fs (NM_001353902.1); c.940dup, p.Ser314fs (NM_001353905.1, NM_001353906.1); c.1025dup, p.Cys343fs (NM_001353907.1); c.841dup, p.Ser281fs (NM_001353908.1); c.*109dup (NM_001353909.1); c.780-1009dup (NM_001353904.1); c.1290-1009dup (NM_001353899.1); and 5 more; short protein forms C343fs, S281fs, S314fs, S418fs, S425fs.
Identifiers: ClinVar variation 3060277 (VCV003060277.2), dbSNP rs35678878, ClinGen allele CA8955265.

ClinVar aggregate classification (germline): Benign (0 of 4 stars; one submission).

Conditions:
KATNAL2-related disorder. Also called: KATNAL2-related condition.

Submission:

PreventionGenetics, part of Exact Sciences
Classification: Benign for KATNAL2-related condition. Last evaluated: 2019-11-11. Review status: no assertion criteria provided. Collection method: clinical testing. Allele origin: germline.
Comment: This variant is classified as benign based on ACMG/AMP sequence variant interpretation guidelines (Richards et al. 2015 PMID: 25741868, with internal and published modifications).